The following is an entry in ClinVar:

NM_001005242.3(PKP2):c.1976T>C (p.Leu659Ser)

Gene: PKP2 (plakophilin 2; minus strand). Cytogenetic location: 12p11.21.
Variant type: single nucleotide variant.
Coding change: c.1976T>C on transcript NM_001005242.3 (MANE Select); coding-DNA position 1976, T replaced by C.
Protein change: p.Leu659Ser; replaces leucine 659 with serine.
Molecular consequence: missense variant.
Genome position (GRCh38, 1-based): chr12:32,821,393, A>G on the plus strand (T>C on the coding strand, the complement: PKP2 is on the minus strand). VCF-style: chr12-32821393-A-G. GRCh37 (hg19) VCF-style: chr12-32974327-A-G.
Other names: c.1976T>C, p.Leu659Ser (NM_001407155.1, NM_001407161.1); c.1811T>C, p.Leu604Ser (NM_001407156.1); c.2108T>C, p.Leu703Ser (NM_001407157.1, NM_004572.4); c.1649T>C, p.Leu550Ser (NM_001407158.1, NM_001407159.1, NM_001407160.1 and 1 more transcripts); short protein forms L550S, L604S, L659S, L703S.
Identifiers: ClinVar variation 3387467 (VCV003387467.1).

ClinVar aggregate classification (germline): Uncertain significance (1 of 4 stars; one submission).

Conditions:
Arrhythmogenic right ventricular cardiomyopathy (ARVD). Also called: Arrhythmogenic right ventricular dysplasia; Cardiomyopathy, ARVC; Arrhythmogenic cardiomyopathy; Arrhythmogenic Right Ventricular Cardiomyopathy (ARVC). Identifiers: Orphanet 247, MedGen C0349788, MeSH D019571, MONDO:0016587. Disease mechanism: loss of function. Inheritance: Various modes of inheritance.

Submission:

All of Us Research Program, National Institutes of Health
Classification: Uncertain significance for Arrhythmogenic right ventricular cardiomyopathy. Last evaluated: 2024-07-20. Review status: criteria provided, single submitter. Criteria: ACMG Guidelines, 2015. Collection method: clinical testing. Allele origin: germline. Inheritance: Autosomal dominant inheritance. Observed: 1 variant allele, 1 heterozygote.
Comment: This missense variant replaces leucine with serine at codon 703 of the PKP2 protein. Computational prediction suggests that this variant may not impact protein structure and function (internally defined REVEL score threshold <= 0.5, PMID: 27666373). To our knowledge, functional studies have not been reported for this variant. This variant has been observed in compound heterozygous state with a pathogenic PKP2 variant in an individual affected with early-onset arrhythmogenic cardiomyopathy with severe heart failure (PMID: 30830208). This variant has not been identified in the general population by the Genome Aggregation Database (gnomAD). The available evidence is insufficient to determine the role of this variant in disease conclusively. Therefore, this variant is classified as a Variant of Uncertain Significance.

This study involves interpretation of variants in research participants for the purpose of population health screening. Participant phenotype was not available at the time of variant classification. Additional details can be found in publication PMID: 35346344, PMCID: PMC8962531

Literature cited by the submitters: PubMed 30830208.